The following is an entry in ClinVar:

ClinVar aggregate classification (germline): Pathogenic. Review status: criteria provided, single submitter (1 of 4 stars). 3 submissions from 2 submitters: Pathogenic (1). 2 of the submissions do not count toward it. Last evaluated 2025-12-17.

Conditions:
Frontotemporal dementia and/or amyotrophic lateral sclerosis 1 (FTDALS1). Also called: C9orf72 Frontotemporal Dementia and/or Amyotrophic Lateral Sclerosis; Frontotemporal dementia with motor neuron disease 1. Identifiers: Orphanet 275872, MedGen C5779877, MONDO:0007105, OMIM 105550.
Paget disease of bone 2, early-onset (PDB2). Also called: Paget disease of bone 2. Identifiers: MedGen C4085251, MONDO:0011183, OMIM 602080.
Paget disease of bone 3. Identifiers: MedGen C4085252, MONDO:0008176, OMIM 167250.
Myopathy, distal, with rimmed vacuoles (DMRV). Also called: MULTISYSTEM PROTEINOPATHY 4. Identifiers: MedGen C5399975, MONDO:0014945, OMIM 617158.

Allele frequency attached by ClinVar (database versions not stated): gnomAD exomes below 0.00001 and 0.00001; TOPMed below 0.00001; gnomAD 0.00001.
gnomAD v4.1: 22 of 1,613,884 alleles (0.0014%); highest among the groups gnomAD compares: Non-Finnish European, 0.0019%; no homozygotes.

Submissions (3):

Labcorp Genetics (formerly Invitae), Labcorp
Classification: Pathogenic for Paget disease of bone 2, early-onset; Frontotemporal dementia and/or amyotrophic lateral sclerosis 1. Last evaluated: 2025-12-17. Review status: criteria provided, single submitter. Criteria: Invitae Variant Classification Sherloc (09022015). Collection method: clinical testing. Allele origin: germline.
Comment: This sequence change affects a donor splice site in intron 7 of the SQSTM1 gene. It is expected to disrupt RNA splicing. Variants that disrupt the donor or acceptor splice site typically lead to a loss of protein function (PMID: 16199547), however the current clinical and genetic evidence is not sufficient to establish whether loss-of-function variants in SQSTM1 cause disease. This variant is present in population databases (rs796051870, gnomAD 0.0009%). Disruption of this splice site has been observed in individuals with autosomal dominant SQSTM1-related conditions (PMID: 12374763, 17129171, 23417734, 26208961). It has also been observed to segregate with disease in related individuals. This variant is also known as A390X. ClinVar contains an entry for this variant (Variation ID: 8110). Algorithms developed to predict the effect of sequence changes on RNA splicing suggest that this variant may disrupt the consensus splice site. For these reasons, this variant has been classified as Pathogenic.

OMIM
Classification: Pathogenic for PAGET DISEASE OF BONE 3. Last evaluated: 2002-10-15. Review status: no assertion criteria provided. Collection method: literature only. Allele origin: germline. Not counted in ClinVar's aggregate classification.

OMIM
Classification: Pathogenic for MYOPATHY, DISTAL, WITH RIMMED VACUOLES. Last evaluated: 2002-10-15. Review status: no assertion criteria provided. Collection method: literature only. Allele origin: germline. Not counted in ClinVar's aggregate classification.

Literature cited by the submitters: PubMed 16199547 (cited by Labcorp Genetics (formerly Invitae), Labcorp); PubMed 12374763 (cited by Labcorp Genetics (formerly Invitae), Labcorp and OMIM); PubMed 17129171 (cited by Labcorp Genetics (formerly Invitae), Labcorp); PubMed 23417734 (cited by Labcorp Genetics (formerly Invitae), Labcorp); PubMed 26208961 (cited by Labcorp Genetics (formerly Invitae), Labcorp and OMIM).

NM_003900.5(SQSTM1):c.1165+1G>A

Gene: SQSTM1 (sequestosome 1; plus strand). Cytogenetic location: 5q35.3.
Variant type: single nucleotide variant.
Coding change: c.1165+1G>A on transcript NM_003900.5 (MANE Select); the canonical splice donor site of the intron after coding-DNA position 1165, G replaced by A.
Molecular consequence: splice donor variant.
Genome position (GRCh38, 1-based): chr5:179,833,783, G>A. VCF-style: chr5-179833783-G-A. GRCh37 (hg19) VCF-style: chr5-179260783-G-A.
Other names: IVS7DS, G-A, +1; c.913+1G>A (NM_001142298.2, NM_001142299.2).
Identifiers: ClinVar variation 8110 (VCV000008110.11), dbSNP rs796051870, ClinGen allele CA340743.
Genomic context (GRCh38, chr5:179,833,783, plus strand): 5'-CCTCCCAGGAGGGACCCACAGGGCTGAAGGAAGCTGCCTTGTACCCACATCTCCCGCCAG[G>A]CAAGTGAACCAAGAGGTTTTGTACATATTCCTACCTTTCCCTTTAGAGCATCCTGCCCTC-3'